The following is an entry in ClinVar:

ClinVar aggregate classification (germline): Likely pathogenic (1 of 4 stars; one submission).

Conditions:
Hereditary cancer-predisposing syndrome. Also called: Neoplastic Syndromes, Hereditary; Tumor predisposition; Hereditary neoplastic syndrome; Hereditary Cancer Syndrome. Identifiers: Orphanet 140162, MedGen C0027672, MeSH D009386, MONDO:0015356.

Submission:

Ambry Genetics
Classification: Likely pathogenic for Hereditary cancer-predisposing syndrome. Last evaluated: 2026-07-28. Review status: criteria provided, single submitter. Criteria: Ambry Variant Classification Scheme 2023. Collection method: clinical testing. Allele origin: germline.
Comment: The c.1030delC variant, located in coding exon 9 of the RAD51C gene, results from a deletion of one nucleotide at nucleotide position 1030, causing a translational frameshift with a predicted alternate stop codon (p.Q344Rfs*20). This variant occurs at the 3' terminus of the gene, is not expected to trigger nonsense-mediated mRNA decay, and impacts the last 9% of the protein. However, premature stop codons are typically deleterious in nature, the impacted region is critical for protein function, and a significant portion of the protein is affected (Ambry internal data). This variant is considered to be rare based on population cohorts in the Genome Aggregation Database (gnomAD). Based on the majority of available evidence to date, this variant is likely to be pathogenic.

NM_058216.3(RAD51C):c.1030del (p.Gln344fs)

Gene: RAD51C (RAD51 paralog C; plus strand). Cytogenetic location: 17q22.
Variant type: Deletion.
Coding change: c.1030del on transcript NM_058216.3 (MANE Select); coding-DNA position 1030, one base deleted (C; older notation c.1030delC).
Protein change: p.Gln344fs; shifts the reading frame from glutamine 344.
Molecular consequence: frameshift variant. On other transcripts: non-coding transcript variant (1).
Genome position (GRCh38, 1-based): chr17:58,734,121, C deleted. VCF-style (leftmost placement, unchanged base first): chr17-58734120-TC-T. GRCh37 (hg19) VCF-style: chr17-56811481-TC-T.
Other names: short protein forms Q344fs.
Identifiers: ClinVar variation 5027807 (VCV005027807.1).